The following is an entry in ClinVar:

NM_000807.4(GABRA2):c.676G>A (p.Gly226Arg)

Gene: GABRA2 (gamma-aminobutyric acid type A receptor subunit alpha2; minus strand). Cytogenetic location: 4p12.
Variant type: single nucleotide variant.
Coding change: c.676G>A on transcript NM_000807.4 (MANE Select); coding-DNA position 676, G replaced by A.
Protein change: p.Gly226Arg; replaces glycine 226 with arginine.
Molecular consequence: missense variant.
Genome position (GRCh38, 1-based): chr4:46,305,595, C>T on the plus strand (G>A on the coding strand, the complement: GABRA2 is on the minus strand). VCF-style: chr4-46305595-C-T. GRCh37 (hg19) VCF-style: chr4-46307612-C-T.
Other names: c.676G>A, p.Gly226Arg (NM_001114175.3, NM_001377155.1, NM_001330690.2 and 8 more transcripts); c.511G>A, p.Gly171Arg (NM_001286827.3, NM_001377153.1, NM_001377154.1 and 1 more transcripts); c.676G>A (NM_001114175.1); short protein forms G171R, G226R.
Identifiers: ClinVar variation 2787791 (VCV002787791.5), dbSNP rs1200262867, ClinGen allele CA356798636.

ClinVar aggregate classification (germline): Conflicting classifications of pathogenicity. Review status: criteria provided, conflicting classifications (1 of 4 stars). 2 submissions from 2 submitters: Uncertain significance (1); Likely benign (1). Last evaluated 2026-04-07.

Conditions:
Inborn genetic diseases. Identifiers: MedGen C0950123, MeSH D030342.

Allele frequency attached by ClinVar (database versions not stated): TOPMed below 0.00001; gnomAD 0.00001.
gnomAD v4.1: 4 of 1,613,648 alleles (0.00025%); highest among the groups gnomAD compares: Non-Finnish European, 0.00034%; no homozygotes.

Submissions (2):

Ambry Genetics
Classification: Uncertain significance for Inborn genetic diseases. Last evaluated: 2026-04-07. Review status: criteria provided, single submitter. Criteria: Ambry Variant Classification Scheme 2023. Collection method: clinical testing. Allele origin: germline.
Comment: The c.676G>A (p.G226R) alteration is located in exon 6 (coding exon 6) of the GABRA2 gene. This alteration results from a G to A substitution at nucleotide position 676, causing the glycine (G) at amino acid position 226 to be replaced by an arginine (R). Based on data from gnomAD, the A allele has an overall frequency of <0.001% (0/251064) total alleles studied. The highest observed frequency was <0.001% (/) of alleles. Based on insufficient or conflicting evidence, the clinical significance of this alteration remains unclear.

Labcorp Genetics (formerly Invitae), Labcorp
Classification: Likely benign. Last evaluated: 2025-09-21. Review status: criteria provided, single submitter. Criteria: Invitae Variant Classification Sherloc (09022015). Collection method: clinical testing. Allele origin: germline.